The following is an entry in ClinVar:

NM_000051.4(ATM):c.5675-11_5675-10del

Gene: ATM (ATM serine/threonine kinase; plus strand). Cytogenetic location: 11q22.3.
Variant type: Deletion.
Coding change: c.5675-11_5675-10del on transcript NM_000051.4 (MANE Select); 11 bases into the intron before coding-DNA position 5675 through 10 bases into the intron before coding-DNA position 5675, 2 bases deleted (TT; older notation c.5675-11_5675-10delTT).
Molecular consequence: intron variant.
Genome position (GRCh38, 1-based): chr11:108,307,886-108,307,887, TT deleted; deleting any 2 consecutive bases within chr11:108,307,883-108,307,887 gives the same sequence; the c. name uses the placement nearest the transcript's 3' end. VCF-style (leftmost placement, unchanged base first): chr11-108307882-ATT-A. GRCh37 (hg19) VCF-style: chr11-108178609-ATT-A.
Other names: c.5675-11_5675-10del (NM_001351834.2).
Identifiers: ClinVar variation 921282 (VCV000921282.3), dbSNP rs2083812557, ClinGen allele CA913188473.
Genomic context (GRCh38, chr11:108,307,882, plus strand): 5'-GACACATAAACAAGAAGGAAGAAGGTGTGTAAGCAAGAATGCCTGGGACTGAGGGGAGAT[ATT>A]TTTGTTTGTCAGAGTCAGAGCACTTTTTCCGATGCTGTTTGGATAAAAAATCACAAAGAA-3'

ClinVar aggregate classification (germline): Uncertain significance (1 of 4 stars; one submission).

Conditions:
Hereditary cancer-predisposing syndrome. Also called: Neoplastic Syndromes, Hereditary; Tumor predisposition; Hereditary Cancer Syndrome; Hereditary neoplastic syndrome. Identifiers: Orphanet 140162, MedGen C0027672, MeSH D009386, MONDO:0015356.

Submission:

Color Diagnostics, LLC DBA Color Health
Classification: Uncertain significance for Hereditary cancer-predisposing syndrome. Last evaluated: 2019-10-30. Review status: criteria provided, single submitter. Criteria: ACMG Guidelines, 2015. Collection method: clinical testing. Allele origin: germline.
Comment: This variant deletes 2 nucleotides in intron 37 of the ATM gene. Splice site prediction tools are inconclusive regarding the impact of this variant on RNA splicing. To our knowledge, functional studies have not been performed for this variant. This variant has not been reported in individuals affected with hereditary cancer in the literature. This variant has not been identified in the general population by the Genome Aggregation Database (gnomAD). The available evidence is insufficient to determine the role of this variant in disease conclusively. Therefore, this variant is classified as a Variant of Uncertain Significance.